The following is an entry in ClinVar:

NM_007332.3(TRPA1):c.2442G>A (p.Thr814=)

Genes: MSC-AS1 (MSC antisense RNA 1; plus strand), TRPA1 (transient receptor potential cation channel subfamily A member 1; minus strand). Cytogenetic location: 8q21.11.
Variant type: single nucleotide variant.
Coding change: c.2442G>A on transcript NM_007332.3 (MANE Select); coding-DNA position 2442, G replaced by A.
Protein change: p.Thr814=; no amino-acid change (threonine 814 retained).
Molecular consequence: synonymous variant.
Genome position (GRCh38, 1-based): chr8:72,036,401, C>T on the plus strand (G>A on the coding strand, the complement: TRPA1 is on the minus strand). VCF-style: chr8-72036401-C-T. GRCh37 (hg19) VCF-style: chr8-72948636-C-T.
Identifiers: ClinVar variation 3052127 (VCV003052127.2), dbSNP rs146434598, ClinGen allele CA4780503.
Genomic context (GRCh38, chr8:72,036,401, plus strand): 5'-ACATTGCCACTGCAGATGAGCTGGTATTTCAACAAACAAGGGCAGCACAAAAATGATGCC[C>T]GTCGTGTAGATAATCCATTCAAGAACATTGCTTATATCCATAAAATAATTCCTTTTCTGG-3'
Protein context (NP_015628.2, residues 804-824): SNVLEWIIYT[Thr814=]GIIFVLPLFV

ClinVar aggregate classification (germline): Benign (0 of 4 stars; one submission).

Conditions:
TRPA1-related disorder. Also called: TRPA1-related condition.

Allele frequency attached by ClinVar (database versions not stated): TOPMed 0.00035; gnomAD exomes 0.00036; ESP Exome Variant Server 0.00038; gnomAD 0.00040; ExAC 0.00045; 1000 Genomes Project 30x 0.00078; 1000 Genomes Project 0.00080.
gnomAD v4.1: 596 of 1,614,006 alleles (0.037%); highest among the groups gnomAD compares: East Asian, 0.53%; 2 homozygotes.

Submission:

PreventionGenetics, part of Exact Sciences
Classification: Benign for TRPA1-related condition. Last evaluated: 2020-01-27. Review status: no assertion criteria provided. Collection method: clinical testing. Allele origin: germline.
Comment: This variant is classified as benign based on ACMG/AMP sequence variant interpretation guidelines (Richards et al. 2015 PMID: 25741868, with internal and published modifications).